The following is an entry in ClinVar:

NM_000878.5(IL2RB):c.1460C>A (p.Pro487Gln)

Gene: IL2RB (interleukin 2 receptor subunit beta; minus strand). Cytogenetic location: 22q12.3.
Variant type: single nucleotide variant.
Coding change: c.1460C>A on transcript NM_000878.5 (MANE Select); coding-DNA position 1460, C replaced by A.
Protein change: p.Pro487Gln; replaces proline 487 with glutamine.
Molecular consequence: missense variant.
Genome position (GRCh38, 1-based): chr22:37,128,292, G>T on the plus strand (C>A on the coding strand, the complement: IL2RB is on the minus strand). VCF-style: chr22-37128292-G-T. GRCh37 (hg19) VCF-style: chr22-37524332-G-T.
Other names: c.1460C>A, p.Pro487Gln (NM_001346222.1, NM_001346223.2); short protein forms P487Q.
Identifiers: ClinVar variation 1514566 (VCV001514566.7), dbSNP rs1055051479, ClinGen allele CA324043035.

ClinVar aggregate classification (germline): Uncertain significance (1 of 4 stars; one submission).

Allele frequency attached by ClinVar (database versions not stated): gnomAD exomes below 0.00001 and 0.00001; gnomAD 0.00007 and 0.00008; TOPMed 0.00009.
gnomAD v4.1: 12 of 1,499,814 alleles (0.0008%); highest among the groups gnomAD compares: African/African-American, 0.017%; no homozygotes.

Submission:

Labcorp Genetics (formerly Invitae), Labcorp
Classification: Uncertain significance. Last evaluated: 2021-06-15. Review status: criteria provided, single submitter. Criteria: Invitae Variant Classification Sherloc (09022015). Collection method: clinical testing. Allele origin: germline.
Comment: This sequence change replaces proline with glutamine at codon 487 of the IL2RB protein (p.Pro487Gln). The proline residue is weakly conserved and there is a moderate physicochemical difference between proline and glutamine. This variant is not present in population databases (ExAC no frequency). This variant has not been reported in the literature in individuals with IL2RB-related conditions. Algorithms developed to predict the effect of missense changes on protein structure and function (SIFT, PolyPhen-2, Align-GVGD) all suggest that this variant is likely to be tolerated, but these predictions have not been confirmed by published functional studies and their clinical significance is uncertain. In summary, the available evidence is currently insufficient to determine the role of this variant in disease. Therefore, it has been classified as a Variant of Uncertain Significance.